The following is an entry in ClinVar:

ClinVar aggregate classification (germline): Pathogenic (1 of 4 stars; one submission).

Conditions:
Autosomal recessive chronic granulomatous disease.

Submission:

Regional Center For Medical Genetics Timis, Louis Turcanu Emergency Hospital for Children Timisoara
Classification: Pathogenic for Autosomal recessive chronic granulomatous disease. Last evaluated: 2025-01-12. Review status: criteria provided, single submitter. Criteria: ACMG Guidelines, 2015. Collection method: clinical testing. Allele origin: germline. Affected: yes. Observed: 1 variant allele.
Comment: This variant represents exon 1-2 deletion of NCF2 gene. This variant was found in homozygous state and is estimated to conduct to loss of function. LOF NCF2 variants are known to be pathogenic. Therefore, this variant was classified as pathogenic. (PVS1, PM2_Supporting, PM3_Supporting)

NM_000433.4:c.(?_-1)_(257+1_258-1)del

Gene: NCF2 (neutrophil cytosolic factor 2; minus strand).
Variant type: Deletion.
Other names: c.(?_-1)_(257+1_258-1)del (NM_000433.4).
Identifiers: ClinVar variation 3572953 (VCV003572953.1).